The following is an entry in ClinVar:

NM_001242896.3(DEPDC5):c.3293G>A (p.Arg1098His)

Gene: DEPDC5 (DEP domain containing 5, GATOR1 subcomplex subunit; plus strand). Cytogenetic location: 22q12.3.
Variant type: single nucleotide variant.
Coding change: c.3293G>A on transcript NM_001242896.3 (MANE Select); coding-DNA position 3293, G replaced by A.
Protein change: p.Arg1098His; replaces arginine 1098 with histidine.
Molecular consequence: missense variant. On other transcripts: non-coding transcript variant (2), intron variant (5).
Genome position (GRCh38, 1-based): chr22:31,861,396, G>A. VCF-style: chr22-31861396-G-A. GRCh37 (hg19) VCF-style: chr22-32257382-G-A.
Other names: c.3266G>A, p.Arg1089His (NM_001136029.4); c.3059G>A, p.Arg1020His (NM_001363854.2, NM_001364319.2); c.3293G>A, p.Arg1098His (NM_001364318.2); c.3209G>A, p.Arg1070His (NM_001369901.1, NM_001369902.1); c.3237+3843G>A (NM_014662.6, NM_001369903.1); c.3264+3843G>A (NM_001363852.2, NM_001364320.2); c.3030+3843G>A (NM_001242897.2); c.3266G>A (NM_001136029.3); short protein forms R1098H, R1020H, R1070H, R1089H.
Identifiers: ClinVar variation 657926 (VCV000657926.9), dbSNP rs1185705971, ClinGen allele CA411294621.
Genomic context (GRCh38, chr22:31,861,396, plus strand): 5'-GCTGCTGCTGCTTCCTCCTCCTGTGACTTCAGGACGGGGCCTTCTTTATGGAGTTTGTCC[G>A]CAGCCCACGCACAGCATCGTCCGCCTTCTACCCTCAGGTTAGTCCAACTCCAGGGCTTCG-3'
Protein context (NP_001229825.1, residues 1088-1108): KDGAFFMEFV[Arg1098His]SPRTASSAFY

ClinVar aggregate classification (germline): Uncertain significance. Review status: criteria provided, multiple submitters, no conflicts (2 of 4 stars). 2 submissions from 2 submitters: Uncertain significance (2). Last evaluated 2025-10-02.

Conditions:
Familial focal epilepsy with variable foci (FPEVF). Identifiers: Orphanet 98820, MedGen C1858477, MONDO:0020310.
Epilepsy, familial focal, with variable foci 1 (FFEVF1). Also called: DEPDC5-Related Epilepsy. Identifiers: MedGen C4551983, MONDO:0024556, OMIM 604364.

Allele frequency attached by ClinVar (database versions not stated): TOPMed below 0.00001; gnomAD 0.00001; gnomAD exomes 0.00001.
gnomAD v4.1: 13 of 1,551,432 alleles (0.00084%); highest among the groups gnomAD compares: South Asian, 0.0012%; no homozygotes.

Submissions (2):

Labcorp Genetics (formerly Invitae), Labcorp
Classification: Uncertain significance for Familial focal epilepsy with variable foci. Last evaluated: 2025-10-02. Review status: criteria provided, single submitter. Criteria: Invitae Variant Classification Sherloc (09022015). Collection method: clinical testing. Allele origin: germline.
Comment: This sequence change replaces arginine, which is basic and polar, with histidine, which is basic and polar, at codon 1098 of the DEPDC5 protein (p.Arg1098His). This variant is present in population databases (no rsID available, gnomAD 0.002%). This variant has not been reported in the literature in individuals affected with DEPDC5-related conditions. ClinVar contains an entry for this variant (Variation ID: 657926). Experimental studies and prediction algorithms are not available or were not evaluated, and the functional significance of this variant is currently unknown. In summary, the available evidence is currently insufficient to determine the role of this variant in disease. Therefore, it has been classified as a Variant of Uncertain Significance.

Baylor Genetics
Classification: Uncertain significance for Epilepsy, familial focal, with variable foci 1. Last evaluated: 2023-03-22. Review status: criteria provided, single submitter. Criteria: ACMG Guidelines, 2015. Collection method: clinical testing. Allele origin: unknown.